The following is an entry in ClinVar:

NM_000059.4(BRCA2):c.7771A>C (p.Asn2591His)

Gene: BRCA2 (BRCA2 DNA repair associated; plus strand). Cytogenetic location: 13q13.1.
Variant type: single nucleotide variant.
Coding change: c.7771A>C on transcript NM_000059.4 (MANE Select); coding-DNA position 7771, A replaced by C.
Protein change: p.Asn2591His; replaces asparagine 2591 with histidine.
Molecular consequence: missense variant. On other transcripts: non-coding transcript variant (1).
Genome position (GRCh38, 1-based): chr13:32,357,895, A>C. VCF-style: chr13-32357895-A-C. GRCh37 (hg19) VCF-style: chr13-32932032-A-C.
Other names: c.7675A>C, p.Asn2559His (NM_001406719.1); c.7771A>C, p.Asn2591His (NM_001406720.1, NM_001432077.1); c.2839A>C, p.Asn947His (NM_001406721.1); c.1354A>C, p.Asn452His (NM_001406722.1); short protein forms N2559H, N2591H, N452H, N947H.
Identifiers: ClinVar variation 4856515 (VCV004856515.1).
Genomic context (GRCh38, chr13:32,357,895, plus strand): 5'-GAAAGTTTATGGACTGGAAAAGGAATACAGTTGGCTGATGGTGGATGGCTCATACCCTCC[A>C]ATGATGGAAAGGCTGGAAAAGAAGAATTTTATAGGTACTCTATGCAAAAAGATTGTGTGT-3'
Protein context (NP_000050.3, residues 2581-2601): LADGGWLIPS[Asn2591His]DGKAGKEEFY

ClinVar aggregate classification (germline): Uncertain significance (1 of 4 stars; one submission).

Conditions:
Breast-ovarian cancer, familial, susceptibility to, 2 (BROVCA2). Also called: BRCA2 Hereditary Breast and Ovarian Cancer. Identifiers: Orphanet 145, MedGen C2675520, MONDO:0012933, OMIM 612555. Disease mechanism: loss of function.

gnomAD v4.1: 1 of 1,614,132 alleles (0.000062%); highest among the groups gnomAD compares: Non-Finnish European, 0.000085%; no homozygotes.

Submission:

Cancer Bioinformatics and Tumour Evolution Laboratory, Monash University
Classification: Uncertain significance for Breast-ovarian cancer, familial, susceptibility to, 2. Last evaluated: 2026-05-01. Review status: criteria provided, single submitter. Criteria: ClinGen BRCA1 and BRCA2 Guidelines, 2024. Collection method: curation. Allele origin: germline. Inheritance: Autosomal dominant inheritance.
Comment: The variant is in a functional domain (DNA Binding Domain). The BayesDel score is -0.0897462, which means no deleterious impact is predicted. Hence, BP4 is applied. PMID: 39779857 - SGE followed by HDR assay on haploid human HAP1 cells. This variant (c.7771A>C; p.Asn2591His) was found to be strongly benign along with all other missenses at this position. PMID: 39779848 - SGE followed by HDR on mES cells. This variant c.7771A>C; p.Asn2591His was found to be uncertain, along with c.7773T>G; p.Asn2591Lys. All other missenses were benign. Since the two functional studies are discordant, no evidence code is applied.

Literature cited by the submitters: PubMed 39779857; PubMed 39779848.